The following is an entry in ClinVar:

NM_002474.3(MYH11):c.2477A>G (p.Tyr826Cys)

Gene: MYH11 (myosin heavy chain 11; minus strand). Cytogenetic location: 16p13.11.
Variant type: single nucleotide variant.
Coding change: c.2477A>G on transcript NM_002474.3 (MANE Select); coding-DNA position 2477, A replaced by G.
Protein change: p.Tyr826Cys; replaces tyrosine 826 with cysteine.
Molecular consequence: missense variant.
Genome position (GRCh38, 1-based): chr16:15,745,172, T>C on the plus strand (A>G on the coding strand, the complement: MYH11 is on the minus strand). VCF-style: chr16-15745172-T-C. GRCh37 (hg19) VCF-style: chr16-15839029-T-C.
Other names: c.2498A>G, p.Tyr833Cys (NM_001040113.2, NM_001040114.2); c.2477A>G, p.Tyr826Cys (NM_022844.3); c.2477A>G (NM_002474.2); short protein forms Y826C, Y833C.
Identifiers: ClinVar variation 3069819 (VCV003069819.2), dbSNP rs2506241987, ClinGen allele CA394866806.

ClinVar aggregate classification (germline): Uncertain significance. Review status: criteria provided, multiple submitters, no conflicts (2 of 4 stars). 2 submissions from 2 submitters: Uncertain significance (2). Last evaluated 2025-01-19.

Conditions:
Familial thoracic aortic aneurysm and aortic dissection (TAAD). Also called: Thoracic aortic aneurysms and dissections. Identifiers: Orphanet 91387, MedGen C4707243, MONDO:0019625.

gnomAD v4.1: 1 of 1,614,074 alleles (0.000062%); highest among the groups gnomAD compares: Non-Finnish European, 0.000085%; no homozygotes.

Submissions (2):

Ambry Genetics
Classification: Uncertain significance for Familial thoracic aortic aneurysm and aortic dissection. Last evaluated: 2025-01-19. Review status: criteria provided, single submitter. Criteria: Ambry Variant Classification Scheme 2023. Collection method: clinical testing. Allele origin: germline.

All of Us Research Program, National Institutes of Health
Classification: Uncertain significance for Familial thoracic aortic aneurysm and aortic dissection. Last evaluated: 2023-03-09. Review status: criteria provided, single submitter. Criteria: ACMG Guidelines, 2015. Collection method: clinical testing. Allele origin: germline. Inheritance: Autosomal dominant inheritance. Observed: 1 variant allele, 1 heterozygote.
Comment: This missense variant replaces tyrosine with cysteine at codon 833 of the MYH11 protein. Computational prediction suggests that this variant may have deleterious impact on protein structure and function (internally defined REVEL score threshold >= 0.7, PMID: 27666373). To our knowledge, functional studies have not been reported for this variant. This variant has not been reported in individuals affected with MYH11-related disorders in the literature. This variant has not been identified in the general population by the Genome Aggregation Database (gnomAD). The available evidence is insufficient to determine the role of this variant in disease conclusively. Therefore, this variant is classified as a Variant of Uncertain Significance.

This study involves interpretation of variants in research participants for the purpose of population health screening. Participant phenotype was not available at the time of variant classification. Additional details can be found in publication PMID: 35346344, PMCID: PMC8962531